The following is an entry in ClinVar:

ClinVar aggregate classification (germline): Uncertain significance (1 of 4 stars; one submission).

Conditions:
Spastic paraplegia. Identifiers: MedGen C0037772, HP:0001258.

Submission:

Labcorp Genetics (formerly Invitae), Labcorp
Classification: Uncertain significance for Spastic paraplegia. Last evaluated: 2022-07-12. Review status: criteria provided, single submitter. Criteria: Invitae Variant Classification Sherloc (09022015). Collection method: clinical testing. Allele origin: germline.
Comment: This sequence change replaces isoleucine, which is neutral and non-polar, with threonine, which is neutral and polar, at codon 689 of the SACS protein (p.Ile689Thr). In summary, the available evidence is currently insufficient to determine the role of this variant in disease. Therefore, it has been classified as a Variant of Uncertain Significance. Advanced modeling of protein sequence and biophysical properties (such as structural, functional, and spatial information, amino acid conservation, physicochemical variation, residue mobility, and thermodynamic stability) performed at Invitae indicates that this missense variant is not expected to disrupt SACS protein function. This variant has not been reported in the literature in individuals affected with SACS-related conditions. This variant is not present in population databases (gnomAD no frequency).

NM_014363.6(SACS):c.2066T>C (p.Ile689Thr)

Gene: SACS (sacsin molecular chaperone; minus strand). Cytogenetic location: 13q12.12.
Variant type: single nucleotide variant.
Coding change: c.2066T>C on transcript NM_014363.6 (MANE Select); coding-DNA position 2066, T replaced by C.
Protein change: p.Ile689Thr; replaces isoleucine 689 with threonine.
Molecular consequence: missense variant.
Genome position (GRCh38, 1-based): chr13:23,354,546, A>G on the plus strand (T>C on the coding strand, the complement: SACS is on the minus strand). VCF-style: chr13-23354546-A-G. GRCh37 (hg19) VCF-style: chr13-23928685-A-G.
Other names: c.1625T>C, p.Ile542Thr (NM_001278055.2); short protein forms I542T, I689T.
Identifiers: ClinVar variation 2014364 (VCV002014364.4), dbSNP rs2542390357, ClinGen allele CA387545239.